The following is an entry in ClinVar:

NM_206933.4(USH2A):c.11341A>G (p.Ile3781Val)

Gene: USH2A (usherin; minus strand). Cytogenetic location: 1q41.
Variant type: single nucleotide variant.
Coding change: c.11341A>G on transcript NM_206933.4 (MANE Select); coding-DNA position 11341, A replaced by G.
Protein change: p.Ile3781Val; replaces isoleucine 3781 with valine.
Molecular consequence: missense variant.
Genome position (GRCh38, 1-based): chr1:215,758,643, T>C on the plus strand (A>G on the coding strand, the complement: USH2A is on the minus strand). VCF-style: chr1-215758643-T-C. GRCh37 (hg19) VCF-style: chr1-215931985-T-C.
Other names: short protein forms I3781V.
Identifiers: ClinVar variation 4536343 (VCV004536343.3).

ClinVar aggregate classification (germline): Conflicting classifications of pathogenicity. Review status: criteria provided, conflicting classifications (1 of 4 stars). 2 submissions from 2 submitters: Uncertain significance (1); Likely benign (1). Last evaluated 2026-06-04.

Conditions:
Inborn genetic diseases. Identifiers: MedGen C0950123, MeSH D030342.

gnomAD v4.1: 8 of 1,613,730 alleles (0.0005%); highest among the groups gnomAD compares: East Asian, 0.0022%; no homozygotes.

Submissions (2):

GeneDx
Classification: Uncertain significance. Last evaluated: 2026-06-04. Review status: criteria provided, single submitter. Criteria: GeneDx Variant Classification Process June 2021. Collection method: clinical testing. Allele origin: germline.
Comment: Not observed at significant frequency in large population cohorts (gnomAD); In silico analysis suggests that this missense variant does not alter protein structure/function; Has not been previously published as pathogenic or benign to our knowledge

Ambry Genetics
Classification: Likely benign for Inborn genetic diseases. Last evaluated: 2025-12-22. Review status: criteria provided, single submitter. Criteria: Ambry Variant Classification Scheme 2023. Collection method: clinical testing. Allele origin: germline.